The following is an entry in ClinVar:

NM_000138.5(FBN1):c.666G>C (p.Glu222Asp)

Gene: FBN1 (fibrillin 1; minus strand). Cytogenetic location: 15q21.1.
Variant type: single nucleotide variant.
Coding change: c.666G>C on transcript NM_000138.5 (MANE Select); coding-DNA position 666, G replaced by C.
Protein change: p.Glu222Asp; replaces glutamic acid 222 with aspartic acid.
Molecular consequence: missense variant.
Genome position (GRCh38, 1-based): chr15:48,537,681, C>G on the plus strand (G>C on the coding strand, the complement: FBN1 is on the minus strand). VCF-style: chr15-48537681-C-G. GRCh37 (hg19) VCF-style: chr15-48829878-C-G.
Other names: c.666G>C, p.Glu222Asp (NM_001406716.1, NM_001406717.1); short protein forms E222D.
Identifiers: ClinVar variation 4077200 (VCV004077200.1).

ClinVar aggregate classification (germline): Uncertain significance (1 of 4 stars; one submission).

gnomAD v4.1: 1 of 1,614,218 alleles (0.000062%); highest among the groups gnomAD compares: South Asian, 0.0011%; no homozygotes.

Submission:

GeneDx
Classification: Uncertain significance. Last evaluated: 2025-02-27. Review status: criteria provided, single submitter. Criteria: GeneDx Variant Classification Process June 2021. Collection method: clinical testing. Allele origin: germline. Affected: yes.
Comment: Not observed at significant frequency in large population cohorts (gnomAD); In silico analysis supports that this missense variant has a deleterious effect on protein structure/function; Has not been previously published as pathogenic or benign to our knowledge; Does not affect a cysteine or calcium-binding residue within an EGF-like domain or a TGF-binding protein domain of the FBN1 gene; cysteine substitutions in the EGF-like domains represent the majority of pathogenic missense changes associated with FBN1-related disorders (PMID: 12938084); This variant is associated with the following publications: (PMID: 12938084)